The following is an entry in ClinVar:

NM_001046.3(SLC12A2):c.2293C>G (p.Leu765Val)

Gene: SLC12A2 (solute carrier family 12 member 2; plus strand). Cytogenetic location: 5q23.3.
Variant type: single nucleotide variant.
Coding change: c.2293C>G on transcript NM_001046.3 (MANE Select); coding-DNA position 2293, C replaced by G.
Protein change: p.Leu765Val; replaces leucine 765 with valine.
Molecular consequence: missense variant. On other transcripts: non-coding transcript variant (1).
Genome position (GRCh38, 1-based): chr5:128,152,735, C>G. VCF-style: chr5-128152735-C-G. GRCh37 (hg19) VCF-style: chr5-127488427-C-G.
Other names: c.2293C>G, p.Leu765Val (NM_001256461.2); c.2293C>G (NM_001046.2); short protein forms L765V.
Identifiers: ClinVar variation 1401954 (VCV001401954.11), dbSNP rs548545596, ClinGen allele CA3393328.

ClinVar aggregate classification (germline): Uncertain significance. Review status: criteria provided, multiple submitters, no conflicts (2 of 4 stars). 3 submissions from 3 submitters: Uncertain significance (3). Last evaluated 2026-06-12.

Conditions:
SLC12A2-related disorder. Also called: SLC12A2-related condition; SLC12A2-related disorders.
Hearing loss, autosomal dominant 78. Also called: DEAFNESS, AUTOSOMAL DOMINANT 78. Identifiers: MedGen C5436768, MONDO:0033665, OMIM 619081.
Delpire-McNeill syndrome. Also called: SLC12A2-related autosomal dominant infantile-developmental delay-intellectual disability-sensorineural deafness syndrome. Identifiers: Orphanet 633024, MedGen C5436771, MONDO:0033667, OMIM 619083.
Kilquist syndrome (KILQS). Also called: SLC12A2-related autosomal recessive neonatal-developmental delay-intellectual disability-feeding difficulty-sensorineural deafness syndrome. Identifiers: Orphanet 633021, MedGen C5436756, MONDO:0033664, OMIM 619080.

Allele frequency attached by ClinVar (database versions not stated): gnomAD exomes 0.00001; ExAC 0.00002; 1000 Genomes Project 30x 0.00047; 1000 Genomes Project 0.00060.
gnomAD v4.1: 35 of 1,613,626 alleles (0.0022%); highest among the groups gnomAD compares: South Asian, 0.037%; no homozygotes.

Submissions (3):

PreventionGenetics, part of Exact Sciences
Classification: Uncertain significance for SLC12A2-related condition. Last evaluated: 2026-06-12. Review status: criteria provided, single submitter. Criteria: ACMG Guidelines, 2015. Collection method: clinical testing. Allele origin: germline.
Comment: The SLC12A2 c.2293C>G variant is predicted to result in the amino acid substitution p.Leu765Val. To our knowledge, this variant has not been reported in the literature. This variant is reported in 0.0098% of alleles in individuals of South Asian descent in gnomAD. At this time, the clinical significance of this variant is uncertain due to the absence of conclusive functional and genetic evidence.

Labcorp Genetics (formerly Invitae), Labcorp
Classification: Uncertain significance. Last evaluated: 2025-10-14. Review status: criteria provided, single submitter. Criteria: Invitae Variant Classification Sherloc (09022015). Collection method: clinical testing. Allele origin: germline.
Comment: This sequence change replaces leucine, which is neutral and non-polar, with valine, which is neutral and non-polar, at codon 765 of the SLC12A2 protein (p.Leu765Val). This variant is present in population databases (rs548545596, gnomAD 0.01%). This variant has not been reported in the literature in individuals affected with SLC12A2-related conditions. ClinVar contains an entry for this variant (Variation ID: 1401954). Invitae Evidence Modeling of protein sequence and biophysical properties (such as structural, functional, and spatial information, amino acid conservation, physicochemical variation, residue mobility, and thermodynamic stability) indicates that this missense variant is not expected to disrupt SLC12A2 protein function with a negative predictive value of 80%. In summary, the available evidence is currently insufficient to determine the role of this variant in disease. Therefore, it has been classified as a Variant of Uncertain Significance.

Fulgent Genetics
Classification: Uncertain significance for Kilquist syndrome; Hearing loss, autosomal dominant 78; Delpire-McNeill syndrome. Last evaluated: 2021-09-30. Review status: criteria provided, single submitter. Criteria: ACMG Guidelines, 2015. Collection method: clinical testing. Allele origin: unknown.